The following is an entry in ClinVar:

NM_172245.4(CSF2RA):c.646+3G>A

Gene: CSF2RA (colony stimulating factor 2 receptor subunit alpha; plus strand). Cytogenetic location: Xp22.33.
Variant type: single nucleotide variant.
Coding change: c.646+3G>A on transcript NM_172245.4 (MANE Select); 3 bases into the intron after coding-DNA position 646, G replaced by A.
Molecular consequence: intron variant.
Genome position (GRCh38, 1-based): chrX:1,290,512, G>A. VCF-style: chrX-1290512-G-A. GRCh37 (hg19) VCF-style: chrX-1409405-G-A.
Other names: c.646+3G>A (NM_001379163.1, NM_001379159.1, NM_001379162.1 and 20 more transcripts); c.247+3G>A (NM_001161532.2).
Identifiers: ClinVar variation 1432168 (VCV001432168.3), dbSNP rs373500219, ClinGen allele CA325917641.
Genomic context (GRCh38, chrX:1,290,512, plus strand): 5'-ACCAGCCGAGAAATTGGCATCCAATTCTTTGATTCACTTTTGGACACAAAGAAAATAGGT[G>A]AGAATAACACATATGATTTTCCTATTGTTTATAGGTGAAATGGAATTTGCCTTAAAATCT-3'

ClinVar aggregate classification (germline): Uncertain significance (1 of 4 stars; one submission).

Conditions:
Surfactant metabolism dysfunction, pulmonary, 4 (SMDP4). Also called: PAP DUE TO CSF2RA DEFICIENCY; PULMONARY ALVEOLAR PROTEINOSIS, CONGENITAL, 4; CSF2RA DEFICIENCY. Identifiers: Orphanet 264675, MedGen C2677877, MONDO:0010424, OMIM 300770.

Allele frequency attached by ClinVar (database versions not stated): gnomAD 0.00001; gnomAD exomes 0.00002; TOPMed 0.00003; ESP Exome Variant Server 0.00008.
gnomAD v4.1: 26 of 1,613,142 alleles (0.0016%); highest among the groups gnomAD compares: African/African-American, 0.004%; no homozygotes.

Submission:

Labcorp Genetics (formerly Invitae), Labcorp
Classification: Uncertain significance for Surfactant metabolism dysfunction, pulmonary, 4. Last evaluated: 2022-08-15. Review status: criteria provided, single submitter. Criteria: Invitae Variant Classification Sherloc (09022015). Collection method: clinical testing. Allele origin: germline.
Comment: This sequence change falls in intron 7 of the CSF2RA gene. It does not directly change the encoded amino acid sequence of the CSF2RA protein. It affects a nucleotide within the consensus splice site. This variant is not present in population databases (gnomAD no frequency). This variant has not been reported in the literature in individuals affected with CSF2RA-related conditions. ClinVar contains an entry for this variant (Variation ID: 1432168). Variants that disrupt the consensus splice site are a relatively common cause of aberrant splicing (PMID: 17576681, 9536098). Algorithms developed to predict the effect of sequence changes on RNA splicing suggest that this variant is not likely to affect RNA splicing. In summary, the available evidence is currently insufficient to determine the role of this variant in disease. Therefore, it has been classified as a Variant of Uncertain Significance.

Literature cited by the submitters: PubMed 17576681; PubMed 9536098.